The following is an entry in ClinVar:

ClinVar aggregate classification (germline): Uncertain significance (1 of 4 stars; one submission).

Conditions:
Hypertrophic cardiomyopathy. Also called: HYPERTROPHIC MYOCARDIOPATHY. Identifiers: Orphanet 217569, MedGen C0007194, MeSH D002312, MONDO:0005045, HP:0001639.

Submission:

Labcorp Genetics (formerly Invitae), Labcorp
Classification: Uncertain significance for Hypertrophic cardiomyopathy. Last evaluated: 2019-07-03. Review status: criteria provided, single submitter. Criteria: Invitae Variant Classification Sherloc (09022015). Collection method: clinical testing. Allele origin: germline.
Comment: This sequence change replaces methionine with isoleucine at codon 193 of the MYL3 protein (p.Met193Ile). The methionine residue is moderately conserved and there is a small physicochemical difference between methionine and isoleucine. In summary, the available evidence is currently insufficient to determine the role of this variant in disease. Therefore, it has been classified as a Variant of Uncertain Significance. Algorithms developed to predict the effect of missense changes on protein structure and function (SIFT, PolyPhen-2, Align-GVGD) all suggest that this variant is likely to be tolerated, but these predictions have not been confirmed by published functional studies and their clinical significance is uncertain. This variant has not been reported in the literature in individuals with MYL3-related conditions. This variant is not present in population databases (ExAC no frequency).

NM_000258.3(MYL3):c.579G>A (p.Met193Ile)

Gene: MYL3 (myosin light chain 3; minus strand). Cytogenetic location: 3p21.31.
Variant type: single nucleotide variant.
Coding change: c.579G>A on transcript NM_000258.3 (MANE Select); coding-DNA position 579, G replaced by A.
Protein change: p.Met193Ile; replaces methionine 193 with isoleucine.
Molecular consequence: missense variant.
Genome position (GRCh38, 1-based): chr3:46,858,253, C>T on the plus strand (G>A on the coding strand, the complement: MYL3 is on the minus strand). VCF-style: chr3-46858253-C-T. GRCh37 (hg19) VCF-style: chr3-46899743-C-T.
Other names: short protein forms M193I.
Identifiers: ClinVar variation 952927 (VCV000952927.7), dbSNP rs1701951962, ClinGen allele CA352495070.